The following is an entry in ClinVar:

ClinVar aggregate classification (germline): drug response (0 of 4 stars; one submission).

Conditions:
Thalidomide response. Identifiers: MedGen CN297989.

gnomAD v4.1: 143,912 of 1,614,080 alleles (8.9%); highest among the groups gnomAD compares: South Asian, 13%; 7,151 homozygotes.

Submission:

Rare Diseases Genetics and Genomics, Islamia College Peshawar
Classification: drug response for Thalidomide response. Review status: no assertion criteria provided. Collection method: research. Allele origin: germline. Affected: yes.
Comment: this variant was associated with non-response to thalidomide (not achieving transfusion independence)

NM_018169.4(RESF1):c.1037G>A (p.Ser346Asn)

Gene: RESF1 (retroelement silencing factor 1; plus strand). Cytogenetic location: 12p11.21.
Variant type: single nucleotide variant.
Coding change: c.1037G>A on transcript NM_018169.4 (MANE Select); coding-DNA position 1037, G replaced by A.
Protein change: p.Ser346Asn; replaces serine 346 with asparagine.
Molecular consequence: missense variant.
Genome position (GRCh38, 1-based): chr12:31,981,992, G>A. VCF-style: chr12-31981992-G-A. GRCh37 (hg19) VCF-style: chr12-32134926-G-A.
Other names: short protein forms S346N.
Identifiers: ClinVar variation 3900042 (VCV003900042.1).